The following is an entry in ClinVar:

NM_000263.4(NAGLU):c.531+1G>T

Gene: NAGLU (N-acetyl-alpha-glucosaminidase; plus strand). Cytogenetic location: 17q21.2.
Variant type: single nucleotide variant.
Coding change: c.531+1G>T on transcript NM_000263.4 (MANE Select); the canonical splice donor site of the intron after coding-DNA position 531, G replaced by T.
Molecular consequence: splice donor variant.
Genome position (GRCh38, 1-based): chr17:42,537,546, G>T. VCF-style: chr17-42537546-G-T. GRCh37 (hg19) VCF-style: chr17-40689564-G-T.
Identifiers: ClinVar variation 4783876 (VCV004783876.1).

ClinVar aggregate classification (germline): Pathogenic (1 of 4 stars; one submission).

Conditions:
Mucopolysaccharidosis, MPS-III-B (MPS3B). Also called: MPS IIIB (Sanfilippo Syndrome Type B); N-ACETYL-ALPHA-D-GLUCOSAMINIDASE DEFICIENCY; NAGLU DEFICIENCY; SANFILIPPO SYNDROME B; MPS III B; Mucopolysaccharidosis type IIIB (Sanfilippo B). Identifiers: Orphanet 79270, MedGen C0086648, MONDO:0009656, OMIM 252920.
Charcot-Marie-Tooth disease axonal type 2V. Also called: CHARCOT-MARIE-TOOTH NEUROPATHY, TYPE 2V; CHARCOT-MARIE-TOOTH DISEASE, AXONAL, AUTOSOMAL DOMINANT, TYPE 2V. Identifiers: Orphanet 447964, MedGen C5569050, MONDO:0014665, OMIM 616491.

Submission:

Labcorp Genetics (formerly Invitae), Labcorp
Classification: Pathogenic for Charcot-Marie-Tooth disease axonal type 2V; Mucopolysaccharidosis, MPS-III-B. Last evaluated: 2025-06-23. Review status: criteria provided, single submitter. Criteria: Invitae Variant Classification Sherloc (09022015). Collection method: clinical testing. Allele origin: germline.
Comment: This sequence change affects a donor splice site in intron 2 of the NAGLU gene. It is expected to disrupt RNA splicing. Variants that disrupt the donor or acceptor splice site typically lead to a loss of protein function (PMID: 16199547), and loss-of-function variants in NAGLU are known to be pathogenic (PMID: 9832037, 10094189, 16151907). This variant is not present in population databases (gnomAD no frequency). Disruption of this splice site has been observed in individual(s) with mucopolysaccharidosis type III (PMID: 21685203). Algorithms developed to predict the effect of sequence changes on RNA splicing suggest that this variant may disrupt the consensus splice site. For these reasons, this variant has been classified as Pathogenic.

Literature cited by the submitters: PubMed 16199547; PubMed 9832037; PubMed 10094189; PubMed 16151907; PubMed 21685203.